The following is an entry in ClinVar:

ClinVar aggregate classification (germline): Uncertain significance (1 of 4 stars; one submission).

Submission:

CeGaT Center for Human Genetics Tuebingen
Classification: Uncertain significance. Last evaluated: 2024-09-01. Review status: criteria provided, single submitter. Criteria: CeGaT Center For Human Genetics Tuebingen Variant Classification Criteria Version 2. Collection method: clinical testing. Allele origin: germline. Affected: yes. Observed: 1 variant allele.
Comment: HCN1: PM2, PP2, PP3

NM_021072.4(HCN1):c.1534A>T (p.Met512Leu)

Gene: HCN1 (hyperpolarization activated cyclic nucleotide gated potassium channel 1; minus strand). Cytogenetic location: 5p12.
Variant type: single nucleotide variant.
Coding change: c.1534A>T on transcript NM_021072.4 (MANE Select); coding-DNA position 1534, A replaced by T.
Protein change: p.Met512Leu; replaces methionine 512 with leucine.
Molecular consequence: missense variant.
Genome position (GRCh38, 1-based): chr5:45,303,683, T>A on the plus strand (A>T on the coding strand, the complement: HCN1 is on the minus strand). VCF-style: chr5-45303683-T-A. GRCh37 (hg19) VCF-style: chr5-45303785-T-A.
Other names: short protein forms M512L.
Identifiers: ClinVar variation 3389568 (VCV003389568.14).